The following is an entry in ClinVar:

ClinVar aggregate classification (germline): Conflicting classifications of pathogenicity. Review status: criteria provided, conflicting classifications (1 of 4 stars). 3 submissions from 3 submitters: Uncertain significance (1); Likely benign (2). Last evaluated 2026-01-27.

Conditions:
SEPN1-related disorder. Also called: SEPN1-Related Disorders. Identifiers: MedGen CN239420.
Eichsfeld type congenital muscular dystrophy (CMYO3). Also called: MYOPATHY, SEPN1-RELATED; SELENON-related myopathy; Congenital myopathy 3 with rigid spine; Rigid spine muscular dystrophy 1. Identifiers: MedGen C0410180, MONDO:0100100, OMIM 602771.

Allele frequency attached by ClinVar (database versions not stated): gnomAD 0.00003; gnomAD exomes 0.00005 and 0.00009; TOPMed 0.00006; ExAC 0.00012.
gnomAD v4.1: 83 of 1,614,062 alleles (0.0051%); highest among the groups gnomAD compares: South Asian, 0.035%; no homozygotes.

Submissions (3):

Labcorp Genetics (formerly Invitae), Labcorp
Classification: Likely benign for Eichsfeld type congenital muscular dystrophy. Last evaluated: 2026-01-27. Review status: criteria provided, single submitter. Criteria: Invitae Variant Classification Sherloc (09022015). Collection method: clinical testing. Allele origin: germline.

Illumina Laboratory Services, Illumina
Classification: Uncertain significance for SEPN1-Related Disorders. Last evaluated: 2018-01-12. Review status: criteria provided, single submitter. Criteria: ICSL Variant Classification Criteria 13 December 2019. Collection method: clinical testing. Allele origin: germline.

GeneDx
Classification: Likely benign. Last evaluated: 2017-03-17. Review status: criteria provided, single submitter. Criteria: GeneDx Variant Classification (06012015). Collection method: clinical testing. Allele origin: germline. Affected: yes.
Comment: This variant is considered likely benign or benign based on one or more of the following criteria: it is a conservative change, it occurs at a poorly conserved position in the protein, it is predicted to be benign by multiple in silico algorithms, and/or has population frequency not consistent with disease.

NM_206926.2(SELENON):c.1602G>A (p.Pro534=)

Gene: SELENON (selenoprotein N; plus strand). Cytogenetic location: 1p36.11.
Variant type: single nucleotide variant.
Coding change: c.1602G>A on transcript NM_206926.2 (MANE Select); coding-DNA position 1602, G replaced by A.
Protein change: p.Pro534=; no amino-acid change (proline 534 retained).
Molecular consequence: synonymous variant.
Genome position (GRCh38, 1-based): chr1:25,815,649, G>A. VCF-style: chr1-25815649-G-A. GRCh37 (hg19) VCF-style: chr1-26142140-G-A.
Other names: c.1704G>A, p.Pro568= (NM_020451.3).
Identifiers: ClinVar variation 297031 (VCV000297031.13), dbSNP rs754350384, ClinGen allele CA696969.